The following is an entry in ClinVar:

NM_001040142.2(SCN2A):c.5675C>A (p.Ser1892Tyr)

Gene: SCN2A (sodium voltage-gated channel alpha subunit 2; plus strand). Cytogenetic location: 2q24.3.
Variant type: single nucleotide variant.
Coding change: c.5675C>A on transcript NM_001040142.2 (MANE Select); coding-DNA position 5675, C replaced by A.
Protein change: p.Ser1892Tyr; replaces serine 1892 with tyrosine.
Molecular consequence: missense variant.
Genome position (GRCh38, 1-based): chr2:165,389,481, C>A. VCF-style: chr2-165389481-C-A. GRCh37 (hg19) VCF-style: chr2-166245991-C-A.
Other names: c.5675C>A, p.Ser1892Tyr (NM_001040143.2, NM_001371246.1, NM_001371247.1 and 1 more transcripts); short protein forms S1892Y.
Identifiers: ClinVar variation 4854513 (VCV004854513.1).

ClinVar aggregate classification (germline): Uncertain significance (1 of 4 stars; one submission).

Conditions:
SCN2A-related disorder. Also called: SCN2A-related condition; SCN2A-related disorders. Identifiers: MedGen CN382226, MONDO:1060245.

Submission:

3billion
Classification: Uncertain significance for SCN2A-related disorder. Last evaluated: 2025-06-27. Review status: criteria provided, single submitter. Criteria: ACMG Guidelines, 2015. Collection method: clinical testing. Allele origin: germline. Affected: yes.
Comment: The variant is not observed in the gnomAD v4.1.0 dataset. Predicted Consequence/Location: Missense variant In silico tool predictions suggest damaging effect of the variant on gene or gene product [REVEL: 0.86 (>=0.6, sensitivity 0.68 and specificity 0.92)]. Different missense changes at the same codon have been reported as of uncertain significance (ClinVar ID: VCV000565419). Therefore, this variant is classified as VUS according to the recommendation of ACMG/AMP guideline.